The following is an entry in ClinVar:

ClinVar aggregate classification (germline): Uncertain significance (1 of 4 stars; one submission).

Submission:

Labcorp Genetics (formerly Invitae), Labcorp
Classification: Uncertain significance. Last evaluated: 2019-09-30. Review status: criteria provided, single submitter. Criteria: Invitae Variant Classification Sherloc (09022015). Collection method: clinical testing. Allele origin: germline.
Comment: This sequence change replaces leucine with phenylalanine at codon 452 of the MYO7A protein (p.Leu452Phe). The leucine residue is highly conserved and there is a small physicochemical difference between leucine and phenylalanine. This variant is not present in population databases (ExAC no frequency). This variant has not been reported in the literature in individuals with MYO7A-related conditions. Algorithms developed to predict the effect of missense changes on protein structure and function are either unavailable or do not agree on the potential impact of this missense change (SIFT: "Tolerated"; PolyPhen-2: "Possibly Damaging"; Align-GVGD: "Class C0"). In summary, the available evidence is currently insufficient to determine the role of this variant in disease. Therefore, it has been classified as a Variant of Uncertain Significance.

NM_000260.4(MYO7A):c.1354C>T (p.Leu452Phe)

Gene: MYO7A (myosin VIIA; plus strand). Cytogenetic location: 11q13.5.
Variant type: single nucleotide variant.
Coding change: c.1354C>T on transcript NM_000260.4 (MANE Select); coding-DNA position 1354, C replaced by T.
Protein change: p.Leu452Phe; replaces leucine 452 with phenylalanine.
Molecular consequence: missense variant.
Genome position (GRCh38, 1-based): chr11:77,162,130, C>T. VCF-style: chr11-77162130-C-T. GRCh37 (hg19) VCF-style: chr11-76873176-C-T.
Other names: c.1354C>T, p.Leu452Phe (NM_001127180.2); c.1321C>T, p.Leu441Phe (NM_001369365.1); short protein forms L441F, L452F.
Identifiers: ClinVar variation 946191 (VCV000946191.9), dbSNP rs1555069251, ClinGen allele CA381935214.